The following is an entry in ClinVar:

NM_000368.5(TSC1):c.1516C>T (p.Pro506Ser)

Gene: TSC1 (TSC complex subunit 1; minus strand). Cytogenetic location: 9q34.13.
Variant type: single nucleotide variant.
Coding change: c.1516C>T on transcript NM_000368.5 (MANE Select); coding-DNA position 1516, C replaced by T.
Protein change: p.Pro506Ser; replaces proline 506 with serine.
Molecular consequence: missense variant. On other transcripts: non-coding transcript variant (5).
Genome position (GRCh38, 1-based): chr9:132,906,062, G>A on the plus strand (C>T on the coding strand, the complement: TSC1 is on the minus strand). VCF-style: chr9-132906062-G-A. GRCh37 (hg19) VCF-style: chr9-135781449-G-A.
Other names: c.1513C>T, p.Pro505Ser (NM_001162426.2, NM_001406597.1, NM_001406598.1 and 6 more transcripts); c.1363C>T, p.Pro455Ser (NM_001162427.2, NM_001406610.1); c.1153C>T, p.Pro385Ser (NM_001362177.2, NM_001406614.1, NM_001406615.1 and 5 more transcripts); c.1516C>T, p.Pro506Ser (NM_001406592.1, NM_001406593.1, NM_001406594.1 and 7 more transcripts); c.1360C>T, p.Pro454Ser (NM_001406613.1, NM_001406611.1, NM_001406612.1); c.1150C>T, p.Pro384Ser (NM_001406620.1, NM_001406621.1, NM_001406622.1 and 2 more transcripts); c.565C>T, p.Pro189Ser (NM_001406626.1); c.562C>T, p.Pro188Ser (NM_001406627.1, NM_001406628.1); and 1 more; short protein forms P188S, P384S, P385S, P189S, P155S, P454S, P505S, P455S.
Identifiers: ClinVar variation 3329401 (VCV003329401.1).

ClinVar aggregate classification (germline): Uncertain significance (1 of 4 stars; one submission).

Conditions:
Hereditary cancer-predisposing syndrome. Also called: Neoplastic Syndromes, Hereditary; Tumor predisposition; Hereditary neoplastic syndrome; Hereditary Cancer Syndrome. Identifiers: Orphanet 140162, MedGen C0027672, MeSH D009386, MONDO:0015356.

Submission:

Ambry Genetics
Classification: Uncertain significance for Hereditary cancer-predisposing syndrome. Last evaluated: 2024-03-19. Review status: criteria provided, single submitter. Criteria: Ambry Variant Classification Scheme 2023. Collection method: clinical testing. Allele origin: germline.
Comment: The p.P506S variant (also known as c.1516C>T), located in coding exon 13 of the TSC1 gene, results from a C to T substitution at nucleotide position 1516. The proline at codon 506 is replaced by serine, an amino acid with similar properties. This amino acid position is conserved. In addition, this alteration is predicted to be deleterious by in silico analysis. Based on the available evidence, the clinical significance of this alteration remains unclear.